The following is an entry in ClinVar:

ClinVar aggregate classification (germline): Uncertain significance. Review status: criteria provided, multiple submitters, no conflicts (2 of 4 stars). 7 submissions from 7 submitters: Uncertain significance (7). Last evaluated 2025-12-15.

Conditions:
Hereditary cancer-predisposing syndrome. Also called: Tumor predisposition; Hereditary Cancer Syndrome; Neoplastic Syndromes, Hereditary; Hereditary neoplastic syndrome. Identifiers: Orphanet 140162, MedGen C0027672, MeSH D009386, MONDO:0015356.
Paragangliomas with sensorineural hearing loss. Identifiers: MedGen C1868633.
Carney-Stratakis syndrome. Also called: PARAGANGLIOMA AND GASTROINTESTINAL STROMAL TUMOR. Identifiers: Orphanet 97286, MedGen C1847319, MONDO:0011740, OMIM 606864.
Cowden syndrome 3 (CWS3). Identifiers: Orphanet 201, MedGen CN166604, MONDO:0014045.
Pheochromocytoma. Also called: MAX-Related Hereditary Paraganglioma-Pheochromocytoma Syndrome. Identifiers: Orphanet 29072, MedGen C0031511, MONDO:0008233, OMIM 171300, HP:0002666.
Hereditary pheochromocytoma and paraganglioma. Also called: Hereditary Paraganglioma-Pheochromocytoma Syndromes; Hereditary paragangliomas and pheochromocytomas; Hereditary pheochromocytoma-paraganglioma. Identifiers: Orphanet 29072, MedGen C4274332, MONDO:0017366.

Allele frequency attached by ClinVar (database versions not stated): gnomAD exomes 0.00002.
gnomAD v4.1: 22 of 1,612,112 alleles (0.0014%); highest among the groups gnomAD compares: Non-Finnish European, 0.0019%; no homozygotes.

Submissions (7):

Labcorp Genetics (formerly Invitae), Labcorp
Classification: Uncertain significance for Carney-Stratakis syndrome; Paragangliomas with sensorineural hearing loss; Pheochromocytoma; Cowden syndrome 3. Last evaluated: 2025-12-15. Review status: criteria provided, single submitter. Criteria: Invitae Variant Classification Sherloc (09022015). Collection method: clinical testing. Allele origin: germline.
Comment: This sequence change replaces glutamine, which is neutral and polar, with arginine, which is basic and polar, at codon 47 of the SDHD protein (p.Gln47Arg). This variant is not present in population databases (gnomAD no frequency). This variant has not been reported in the literature in individuals affected with SDHD-related conditions. ClinVar contains an entry for this variant (Variation ID: 378568). Invitae Evidence Modeling of protein sequence and biophysical properties (such as structural, functional, and spatial information, amino acid conservation, physicochemical variation, residue mobility, and thermodynamic stability) indicates that this missense variant is not expected to disrupt SDHD protein function with a negative predictive value of 95%. In summary, the available evidence is currently insufficient to determine the role of this variant in disease. Therefore, it has been classified as a Variant of Uncertain Significance.

Women's Health and Genetics/Laboratory Corporation of America, LabCorp
Classification: Uncertain significance. Last evaluated: 2025-06-16. Review status: criteria provided, single submitter. Criteria: LabCorp Variant Classification Summary - May 2015. Collection method: clinical testing. Allele origin: germline.

Ambry Genetics
Classification: Uncertain significance for Hereditary cancer-predisposing syndrome. Last evaluated: 2024-12-09. Review status: criteria provided, single submitter. Criteria: Ambry Variant Classification Scheme 2023. Collection method: clinical testing. Allele origin: germline.
Comment: The p.Q47R variant (also known as c.140A>G), located in coding exon 2 of the SDHD gene, results from an A to G substitution at nucleotide position 140. The glutamine at codon 47 is replaced by arginine, an amino acid with highly similar properties. This amino acid position is well conserved in available vertebrate species. In addition, this alteration is predicted to be deleterious by in silico analysis. Since supporting evidence is limited at this time, the clinical significance of this alteration remains unclear.

All of Us Research Program, National Institutes of Health
Classification: Uncertain significance for Hereditary pheochromocytoma and paraganglioma. Last evaluated: 2024-07-20. Review status: criteria provided, single submitter. Criteria: ACMG Guidelines, 2015. Collection method: clinical testing. Allele origin: germline. Inheritance: Autosomal dominant inheritance. Observed: 5 variant alleles, 5 heterozygotes.
Comment: This missense variant replaces glutamine with arginine at codon 47 of the SDHD protein. Computational prediction is inconclusive regarding the impact of this variant on protein structure and function (internally defined REVEL score threshold 0.5 < inconclusive < 0.7, PMID: 27666373). To our knowledge, functional studies have not been reported for this variant. This variant has not been reported in individuals affected with SDHD-related disorders in the literature. This variant has not been identified in the general population by the Genome Aggregation Database (gnomAD). The available evidence is insufficient to determine the role of this variant in disease conclusively. Therefore, this variant is classified as a Variant of Uncertain Significance.

This study involves interpretation of variants in research participants for the purpose of population health screening. Participant phenotype was not available at the time of variant classification. Additional details can be found in publication PMID: 35346344, PMCID: PMC8962531

Color Diagnostics, LLC DBA Color Health
Classification: Uncertain significance for Hereditary pheochromocytoma and paraganglioma. Last evaluated: 2024-03-06. Review status: criteria provided, single submitter. Criteria: ACMG Guidelines, 2015. Collection method: clinical testing. Allele origin: germline.
Comment: This missense variant replaces glutamine with arginine at codon 47 of the SDHD protein. Computational prediction is inconclusive regarding the impact of this variant on protein structure and function. To our knowledge, functional studies have not been reported for this variant. This variant has not been reported in individuals affected with SDHD-related disorders in the literature. This variant has not been identified in the general population by the Genome Aggregation Database (gnomAD). The available evidence is insufficient to determine the role of this variant in disease conclusively. Therefore, this variant is classified as a Variant of Uncertain Significance.

Quest Diagnostics Nichols Institute San Juan Capistrano
Classification: Uncertain significance. Last evaluated: 2023-05-08. Review status: criteria provided, single submitter. Criteria: Quest Diagnostics criteria. Collection method: clinical testing. Allele origin: unknown.
Comment: This variant has not been reported in the published literature. It also has not been reported in large, multi-ethnic general populations. Analysis of this variant using bioinformatics tools for the prediction of the effect of amino acid changes on protein structure and function yielded predictions that this variant is benign. Based on the available information, we are unable to determine the clinical significance of this variant.

GeneDx
Classification: Uncertain significance. Last evaluated: 2022-01-04. Review status: criteria provided, single submitter. Criteria: GeneDx Variant Classification Process June 2021. Collection method: clinical testing. Allele origin: germline. Affected: yes.
Comment: Not observed at significant frequency in large population cohorts (gnomAD); In silico analysis supports that this missense variant has a deleterious effect on protein structure/function; Has not been previously published as pathogenic or benign to our knowledge

NM_003002.4(SDHD):c.140A>G (p.Gln47Arg)

Gene: SDHD (succinate dehydrogenase complex subunit D; plus strand). Cytogenetic location: 11q23.1.
Variant type: single nucleotide variant.
Coding change: c.140A>G on transcript NM_003002.4 (MANE Select); coding-DNA position 140, A replaced by G.
Protein change: p.Gln47Arg; replaces glutamine 47 with arginine.
Molecular consequence: missense variant. On other transcripts: non-coding transcript variant (1), intron variant (1).
Genome position (GRCh38, 1-based): chr11:112,087,944, A>G. VCF-style: chr11-112087944-A-G. GRCh37 (hg19) VCF-style: chr11-111958668-A-G.
Other names: c.140A>G, p.Gln47Arg (NM_001276503.2, NM_001276506.2); c.53-923A>G (NM_001276504.2); short protein forms Q47R.
Identifiers: ClinVar variation 378568 (VCV000378568.23), dbSNP rs899706404, ClinGen allele CA16605858.